The following is an entry in ClinVar:

NM_001792.5(CDH2):c.695G>A (p.Arg232Gln)

Gene: CDH2 (cadherin 2; minus strand). Cytogenetic location: 18q12.1.
Variant type: single nucleotide variant.
Coding change: c.695G>A on transcript NM_001792.5 (MANE Select); coding-DNA position 695, G replaced by A.
Protein change: p.Arg232Gln; replaces arginine 232 with glutamine.
Molecular consequence: missense variant.
Genome position (GRCh38, 1-based): chr18:28,009,724, C>T on the plus strand (G>A on the coding strand, the complement: CDH2 is on the minus strand). VCF-style: chr18-28009724-C-T. GRCh37 (hg19) VCF-style: chr18-25589688-C-T.
Other names: c.602G>A, p.Arg201Gln (NM_001308176.2); c.695G>A (NM_001792.3); short protein forms R232Q, R201Q.
Identifiers: ClinVar variation 1489559 (VCV001489559.6), dbSNP rs753933914, ClinGen allele CA8923628.

ClinVar aggregate classification (germline): Conflicting classifications of pathogenicity. Review status: criteria provided, conflicting classifications (1 of 4 stars). 2 submissions from 2 submitters: Uncertain significance (1); Likely benign (1). Last evaluated 2025-11-24.

Conditions:
Inborn genetic diseases. Identifiers: MedGen C0950123, MeSH D030342.

Allele frequency attached by ClinVar (database versions not stated): gnomAD 0.00001 and 0.00003; gnomAD exomes 0.00004; TOPMed 0.00005; ExAC 0.00009.
gnomAD v4.1: 33 of 1,613,206 alleles (0.002%); highest among the groups gnomAD compares: African/African-American, 0.0027%; no homozygotes.

Submissions (2):

Labcorp Genetics (formerly Invitae), Labcorp
Classification: Uncertain significance. Last evaluated: 2025-11-24. Review status: criteria provided, single submitter. Criteria: Invitae Variant Classification Sherloc (09022015). Collection method: clinical testing. Allele origin: germline.
Comment: This sequence change replaces arginine, which is basic and polar, with glutamine, which is neutral and polar, at codon 232 of the CDH2 protein (p.Arg232Gln). This variant is present in population databases (rs753933914, gnomAD 0.008%). This variant has not been reported in the literature in individuals affected with CDH2-related conditions. ClinVar contains an entry for this variant (Variation ID: 1489559). An algorithm developed to predict the effect of missense changes on protein structure and function (PolyPhen-2) suggests that this variant is likely to be tolerated. In summary, the available evidence is currently insufficient to determine the role of this variant in disease. Therefore, it has been classified as a Variant of Uncertain Significance.

Ambry Genetics
Classification: Likely benign for Inborn genetic diseases. Last evaluated: 2023-09-11. Review status: criteria provided, single submitter. Criteria: Ambry Variant Classification Scheme 2023. Collection method: clinical testing. Allele origin: germline.